The following is an entry in ClinVar:

ClinVar aggregate classification (germline): Uncertain significance. Review status: criteria provided, multiple submitters, no conflicts (2 of 4 stars). 2 submissions from 2 submitters: Uncertain significance (2). Last evaluated 2024-10-09.

Conditions:
Hereditary cancer-predisposing syndrome. Also called: Tumor predisposition; Neoplastic Syndromes, Hereditary; Hereditary Cancer Syndrome; Hereditary neoplastic syndrome. Identifiers: Orphanet 140162, MedGen C0027672, MeSH D009386, MONDO:0015356.
Bloom syndrome (BLM). Also called: Bloom-Torre-Machacek syndrome. Identifiers: Orphanet 125, MedGen C0005859, MONDO:0008876, OMIM 210900.

Allele frequency attached by ClinVar (database versions not stated): gnomAD exomes below 0.00001.
gnomAD v4.1: 2 of 1,606,266 alleles (0.00012%); highest among the groups gnomAD compares: African/African-American, 0.0013%; no homozygotes.

Submissions (2):

Labcorp Genetics (formerly Invitae), Labcorp
Classification: Uncertain significance for Bloom syndrome. Last evaluated: 2024-10-09. Review status: criteria provided, single submitter. Criteria: Invitae Variant Classification Sherloc (09022015). Collection method: clinical testing. Allele origin: germline.
Comment: This sequence change replaces isoleucine, which is neutral and non-polar, with valine, which is neutral and non-polar, at codon 1033 of the BLM protein (p.Ile1033Val). This variant is not present in population databases (gnomAD no frequency). This variant has not been reported in the literature in individuals affected with BLM-related conditions. ClinVar contains an entry for this variant (Variation ID: 1727522). Invitae Evidence Modeling of protein sequence and biophysical properties (such as structural, functional, and spatial information, amino acid conservation, physicochemical variation, residue mobility, and thermodynamic stability) indicates that this missense variant is not expected to disrupt BLM protein function with a negative predictive value of 80%. In summary, the available evidence is currently insufficient to determine the role of this variant in disease. Therefore, it has been classified as a Variant of Uncertain Significance.

Ambry Genetics
Classification: Uncertain significance for Hereditary cancer-predisposing syndrome. Last evaluated: 2023-09-28. Review status: criteria provided, single submitter. Criteria: Ambry Variant Classification Scheme 2023. Collection method: clinical testing. Allele origin: germline.
Comment: The p.I1033V variant (also known as c.3097A>G), located in coding exon 15 of the BLM gene, results from an A to G substitution at nucleotide position 3097. The isoleucine at codon 1033 is replaced by valine, an amino acid with highly similar properties. This amino acid position is not well conserved in available vertebrate species. In addition, this alteration is predicted to be tolerated by in silico analysis. Since supporting evidence is limited at this time, the clinical significance of this alteration remains unclear.

NM_000057.4(BLM):c.3097A>G (p.Ile1033Val)

Gene: BLM (BLM RecQ like helicase; plus strand). Cytogenetic location: 15q26.1.
Variant type: single nucleotide variant.
Coding change: c.3097A>G on transcript NM_000057.4 (MANE Select); coding-DNA position 3097, A replaced by G.
Protein change: p.Ile1033Val; replaces isoleucine 1033 with valine.
Molecular consequence: missense variant.
Genome position (GRCh38, 1-based): chr15:90,794,244, A>G. VCF-style: chr15-90794244-A-G. GRCh37 (hg19) VCF-style: chr15-91337474-A-G.
Other names: c.3097A>G, p.Ile1033Val (NM_001287246.2, NM_001287247.2); c.1972A>G, p.Ile658Val (NM_001287248.2); short protein forms I1033V, I658V.
Identifiers: ClinVar variation 1727522 (VCV001727522.4), dbSNP rs2505525057, ClinGen allele CA393846829.
Genomic context (GRCh38, chr15:90,794,244, plus strand): 5'-CATCATACAAGAGAAACTCACTTCAATAATTTGTATAGCATGGTACATTACTGTGAAAAT[A>G]TAACGGAATGCAGGAGAATACAGCTTTTGGCCTACTTTGGTGAAAATGGATTTAATCCTG-3'
Protein context (NP_000048.1, residues 1023-1043): LYSMVHYCEN[Ile1033Val]TECRRIQLLA